The following is an entry in ClinVar:

ClinVar aggregate classification (germline): Benign. Review status: criteria provided, multiple submitters, no conflicts (2 of 4 stars). 3 submissions from 3 submitters: Benign (2). 1 of the submissions does not count toward it. Last evaluated 2019-12-31.

Conditions:
NCAPD2-related disorder. Also called: NCAPD2-related condition.

Allele frequency attached by ClinVar (database versions not stated): gnomAD 0.00752; ESP Exome Variant Server 0.00869; TOPMed 0.00870; 1000 Genomes Project 30x 0.01077; 1000 Genomes Project 0.01098.
gnomAD v4.1: 2,388 of 1,614,138 alleles (0.15%); highest among the groups gnomAD compares: African/African-American, 2.8%; 30 homozygotes.

Submissions (19):

Labcorp Genetics (formerly Invitae), Labcorp
Classification: Benign. Last evaluated: 2019-12-31. Review status: criteria provided, single submitter. Criteria: Invitae Variant Classification Sherloc (09022015). Collection method: clinical testing. Allele origin: germline.

Breakthrough Genomics
Classification: Benign. Review status: criteria provided, single submitter. Criteria: ACMG Guidelines, 2015. Collection method: not provided. Allele origin: germline. Inheritance: Autosomal recessive inheritance. Affected: yes.

PreventionGenetics, part of Exact Sciences
Classification: Likely benign for NCAPD2-related condition. Last evaluated: 2019-04-08. Review status: no assertion criteria provided. Collection method: clinical testing. Allele origin: germline. Not counted in ClinVar's aggregate classification.
Comment: This variant is classified as likely benign based on ACMG/AMP sequence variant interpretation guidelines (Richards et al. 2015 PMID: 25741868, with internal and published modifications).

Dr. Peter K. Rogan Lab, Western University
No classification provided (evidence only). Condition: Clear cell carcinoma of kidney. Review status: no classification provided. Collection method: in vitro. Allele origin: not applicable. Functional consequence: skipped exon, retained intron. Not counted in ClinVar's aggregate classification.

Dr. Peter K. Rogan Lab, Western University
No classification provided (evidence only). Condition: Clear cell carcinoma of kidney. Review status: no classification provided. Collection method: in vitro. Allele origin: not applicable. Functional consequence: retained intron. Not counted in ClinVar's aggregate classification.

Dr. Peter K. Rogan Lab, Western University
No classification provided (evidence only). Condition: Lung cancer. Review status: no classification provided. Collection method: in vitro. Allele origin: not applicable. Functional consequence: skipped exon. Not counted in ClinVar's aggregate classification.

Dr. Peter K. Rogan Lab, Western University
No classification provided (evidence only). Condition: Acute myeloid leukemia. Review status: no classification provided. Collection method: in vitro. Allele origin: not applicable. Functional consequence: retained intron. Not counted in ClinVar's aggregate classification.

Dr. Peter K. Rogan Lab, Western University
No classification provided (evidence only). Condition: Colon adenocarcinoma. Review status: no classification provided. Collection method: in vitro. Allele origin: not applicable. Functional consequence: retained intron. Not counted in ClinVar's aggregate classification.

Dr. Peter K. Rogan Lab, Western University
No classification provided (evidence only). Condition: Uterine corpus endometrial carcinoma. Review status: no classification provided. Collection method: in vitro. Allele origin: not applicable. Functional consequence: retained intron. Not counted in ClinVar's aggregate classification.

Dr. Peter K. Rogan Lab, Western University
No classification provided (evidence only). Condition: Uterine corpus endometrial carcinoma. Review status: no classification provided. Collection method: in vitro. Allele origin: not applicable. Functional consequence: retained intron. Not counted in ClinVar's aggregate classification.

Dr. Peter K. Rogan Lab, Western University
No classification provided (evidence only). Condition: Uterine corpus endometrial carcinoma. Review status: no classification provided. Collection method: in vitro. Allele origin: not applicable. Functional consequence: skipped exon, retained intron. Not counted in ClinVar's aggregate classification.

Dr. Peter K. Rogan Lab, Western University
No classification provided (evidence only). Condition: Uterine corpus endometrial carcinoma. Review status: no classification provided. Collection method: in vitro. Allele origin: not applicable. Functional consequence: skipped exon, retained intron. Not counted in ClinVar's aggregate classification.

Dr. Peter K. Rogan Lab, Western University
No classification provided (evidence only). Condition: Uterine corpus endometrial carcinoma. Review status: no classification provided. Collection method: in vitro. Allele origin: not applicable. Functional consequence: skipped exon, retained intron. Not counted in ClinVar's aggregate classification.

Dr. Peter K. Rogan Lab, Western University
No classification provided (evidence only). Condition: Cervical cancer. Review status: no classification provided. Collection method: in vitro. Allele origin: not applicable. Functional consequence: skipped exon, retained intron. Not counted in ClinVar's aggregate classification.

Dr. Peter K. Rogan Lab, Western University
No classification provided (evidence only). Condition: Cervical cancer. Review status: no classification provided. Collection method: in vitro. Allele origin: not applicable. Functional consequence: skipped exon, retained intron. Not counted in ClinVar's aggregate classification.

Dr. Peter K. Rogan Lab, Western University
No classification provided (evidence only). Condition: Cervical cancer. Review status: no classification provided. Collection method: in vitro. Allele origin: not applicable. Functional consequence: skipped exon, retained intron. Not counted in ClinVar's aggregate classification.

Dr. Peter K. Rogan Lab, Western University
No classification provided (evidence only). Condition: Ovarian serous cystadenocarcinoma. Review status: no classification provided. Collection method: in vitro. Allele origin: not applicable. Functional consequence: retained intron. Not counted in ClinVar's aggregate classification.

Dr. Peter K. Rogan Lab, Western University
No classification provided (evidence only). Condition: Ovarian serous cystadenocarcinoma. Review status: no classification provided. Collection method: in vitro. Allele origin: not applicable. Functional consequence: retained intron. Not counted in ClinVar's aggregate classification.

Dr. Peter K. Rogan Lab, Western University
No classification provided (evidence only). Condition: Gastric cancer. Review status: no classification provided. Collection method: in vitro. Allele origin: not applicable. Functional consequence: retained intron. Not counted in ClinVar's aggregate classification.

NM_014865.4(NCAPD2):c.3653G>T (p.Arg1218Leu)

Gene: NCAPD2 (non-SMC condensin I complex subunit D2; plus strand). Cytogenetic location: 12p13.31.
Variant type: single nucleotide variant.
Coding change: c.3653G>T on transcript NM_014865.4 (MANE Select); coding-DNA position 3653, G replaced by T.
Protein change: p.Arg1218Leu; replaces arginine 1218 with leucine.
Molecular consequence: missense variant.
Genome position (GRCh38, 1-based): chr12:6,529,593, G>T. VCF-style: chr12-6529593-G-T. GRCh37 (hg19) VCF-style: chr12-6638759-G-T.
Other names: NC_000012.11:g.6638759G>T; short protein forms R1218L.
Identifiers: ClinVar variation 784231 (VCV000784231.8), dbSNP rs61731148, ClinGen allele CA6409138.
Genomic context (GRCh38, chr12:6,529,593, plus strand): 5'-CCAAGGACAAGCAGACAGAGAGCCTGGTGGAAAAGCTGTGTCAGCGGTTCCGCACATCCC[G>T]GTATGCTGCCCTCCCTGAGGGTTCTTTGTGCTGAGCGGGGCCCTGCAGGGGAGAAAGGCC-3'
Protein context (NP_055680.3, residues 1208-1228): EKLCQRFRTS[Arg1218Leu]TERQQRDLAY